The following is an entry in ClinVar:

NM_000219.6(KCNE1):c.180C>G (p.Gly60=)

Gene: KCNE1 (potassium voltage-gated channel subfamily E regulatory subunit 1; minus strand). Cytogenetic location: 21q22.12.
Variant type: single nucleotide variant.
Coding change: c.180C>G on transcript NM_000219.6 (MANE Select); coding-DNA position 180, C replaced by G.
Protein change: p.Gly60=; no amino-acid change (glycine 60 retained).
Molecular consequence: synonymous variant.
Genome position (GRCh38, 1-based): chr21:34,449,455, G>C on the plus strand (C>G on the coding strand, the complement: KCNE1 is on the minus strand). VCF-style: chr21-34449455-G-C. GRCh37 (hg19) VCF-style: chr21-35821753-G-C.
Other names: c.180C>G, p.Gly60= (NM_001127668.4, NM_001127669.4, NM_001127670.4 and 4 more transcripts).
Identifiers: ClinVar variation 3374258 (VCV003374258.2).

Conditions:
Long QT syndrome 5 (LQT5). Identifiers: Orphanet 101016, Orphanet 768, MedGen C1867904, MONDO:0013372, OMIM 613695.

Submission:

Roden Lab, Vanderbilt University Medical Center
No classification provided (evidence only). Condition: Long QT syndrome 5. Review status: no classification provided. Collection method: in vitro. Allele origin: not applicable. Functional consequence: Effect on ion channel function.
ClinVar note: "not provided" was previously submitted as the classification for the variant. However, the classification appeared to be based only on an observation of functional data so it was converted to no classification on 2025-07-30.